The following is an entry in ClinVar:

ClinVar aggregate classification (germline): Conflicting classifications of pathogenicity. Review status: criteria provided, conflicting classifications (1 of 4 stars). 2 submissions from 2 submitters: Likely pathogenic (1); Uncertain significance (1). Last evaluated 2026-08-31.

Conditions:
Inborn genetic diseases. Identifiers: MedGen C0950123, MeSH D030342.

Submissions (2):

Ambry Genetics
Classification: Likely pathogenic for Inborn genetic diseases. Last evaluated: 2026-08-31. Review status: criteria provided, single submitter. Criteria: Ambry Variant Classification Scheme 2023. Collection method: clinical testing. Allele origin: germline.
Comment: The c.4016C>T (p.P1339L) alteration is located in exon 15 (coding exon 15) of the KMT2B gene. This alteration results from a C to T substitution at nucleotide position 4016, causing the proline (P) at amino acid position 1339 to be replaced by a leucine (L). The Genome Aggregation Database (gnomAD) data for this variant is unreliable due to technical and/or biological issues; therefore, population frequency estimates were not considered. This amino acid position is highly conserved in available vertebrate species. This alteration is predicted to be deleterious by in silico analysis. Based on the available evidence, this alteration is classified as likely pathogenic.

GeneDx
Classification: Uncertain significance. Last evaluated: 2026-03-26. Review status: criteria provided, single submitter. Criteria: GeneDx Variant Classification Process June 2021. Collection method: clinical testing. Allele origin: germline.
Comment: Not observed at significant frequency in large population cohorts (gnomAD); In silico analysis supports that this missense variant has a deleterious effect on protein structure/function; Has not been previously published as pathogenic or benign to our knowledge

NM_014727.3(KMT2B):c.4016C>T (p.Pro1339Leu)

Gene: KMT2B (lysine methyltransferase 2B; plus strand). Cytogenetic location: 19q13.12.
Variant type: single nucleotide variant.
Coding change: c.4016C>T on transcript NM_014727.3 (MANE Select); coding-DNA position 4016, C replaced by T.
Protein change: p.Pro1339Leu; replaces proline 1339 with leucine.
Molecular consequence: missense variant.
Genome position (GRCh38, 1-based): chr19:35,727,168, C>T. VCF-style: chr19-35727168-C-T. GRCh37 (hg19) VCF-style: chr19-36218069-C-T.
Other names: c.4016C>T (NM_014727.1); short protein forms P1339L.
Identifiers: ClinVar variation 5017093 (VCV005017093.2).
Genomic context (GRCh38, chr19:35,727,168, plus strand): 5'-TGAGTGGGAACTCCAGCACCTCTGACTCCTTCTCTTCCCTTTCTCTAGGAAACTACTGCC[C>T]GATCTGTACACGCTGCTATGAAGACAACGACTATGAGAGCAAGATGATGCAGTGCGCACA-3'
Protein context (NP_055542.1, residues 1329-1349): TQLYEKGNYC[Pro1339Leu]ICTRCYEDND